The following is an entry in ClinVar:

ClinVar aggregate classification (germline): Uncertain significance (1 of 4 stars; one submission).

Conditions:
Singleton-Merten syndrome 1 (SGMRT1). Also called: Widened medullary cavities of bone, aortic calcification, abnormal dentition, and muscular weakness; Syndrome of widened medullary cavities of the metacarpals and phalanges, aortic calcification and abnormal dentition. Identifiers: Orphanet 85191, MedGen C4225427, MONDO:0024535, OMIM 182250.
Aicardi-Goutieres syndrome 7 (AGS7). Identifiers: Orphanet 51, MedGen C3888244, MONDO:0014367, OMIM 615846.

Allele frequency attached by ClinVar (database versions not stated): gnomAD exomes below 0.00001.
gnomAD v4.1: 4 of 1,612,188 alleles (0.00025%); highest among the groups gnomAD compares: Non-Finnish European, 0.00034%; no homozygotes.

Submission:

Labcorp Genetics (formerly Invitae), Labcorp
Classification: Uncertain significance for Aicardi-Goutieres syndrome 7; Singleton-Merten syndrome 1. Last evaluated: 2023-10-20. Review status: criteria provided, single submitter. Criteria: Invitae Variant Classification Sherloc (09022015). Collection method: clinical testing. Allele origin: germline.
Comment: This sequence change replaces lysine, which is basic and polar, with glutamic acid, which is acidic and polar, at codon 1001 of the IFIH1 protein (p.Lys1001Glu). This variant is not present in population databases (gnomAD no frequency). This variant has not been reported in the literature in individuals affected with IFIH1-related conditions. Advanced modeling of protein sequence and biophysical properties (such as structural, functional, and spatial information, amino acid conservation, physicochemical variation, residue mobility, and thermodynamic stability) has been performed at Invitae for this missense variant, however the output from this modeling did not meet the statistical confidence thresholds required to predict the impact of this variant on IFIH1 protein function. In summary, the available evidence is currently insufficient to determine the role of this variant in disease. Therefore, it has been classified as a Variant of Uncertain Significance.

NM_022168.4(IFIH1):c.3001A>G (p.Lys1001Glu)

Gene: IFIH1 (interferon induced with helicase C domain 1; minus strand). Cytogenetic location: 2q24.2.
Variant type: single nucleotide variant.
Coding change: c.3001A>G on transcript NM_022168.4 (MANE Select); coding-DNA position 3001, A replaced by G.
Protein change: p.Lys1001Glu; replaces lysine 1001 with glutamic acid.
Molecular consequence: missense variant.
Genome position (GRCh38, 1-based): chr2:162,267,277, T>C on the plus strand (A>G on the coding strand, the complement: IFIH1 is on the minus strand). VCF-style: chr2-162267277-T-C. GRCh37 (hg19) VCF-style: chr2-163123787-T-C.
Other names: short protein forms K1001E.
Identifiers: ClinVar variation 2939108 (VCV002939108.3), dbSNP rs2468942846, ClinGen allele CA348988897.